The following is an entry in ClinVar:

ClinVar aggregate classification (germline): Likely benign (1 of 4 stars; one submission).

Allele frequency attached by ClinVar (database versions not stated): gnomAD 0.00001; ExAC 0.00015.

Submission:

CeGaT Center for Human Genetics Tuebingen
Classification: Likely benign. Last evaluated: 2023-08-01. Review status: criteria provided, single submitter. Criteria: CeGaT Center For Human Genetics Tuebingen Variant Classification Criteria Version 2. Collection method: clinical testing. Allele origin: germline. Affected: yes. Observed: 3 variant alleles.
Comment: MUC4: BP4, BP7, BS2

NM_018406.7(MUC4):c.11982C>T (p.Ser3994=)

Gene: MUC4 (mucin 4, cell surface associated). Cytogenetic location: 3q29.
Variant type: single nucleotide variant.
Coding change: c.11982C>T on transcript NM_018406.7 (MANE Select); coding-DNA position 11982, C replaced by T.
Protein change: p.Ser3994=; no amino-acid change (serine 3994 retained).
Molecular consequence: synonymous variant. On other transcripts: genic upstream transcript variant (2).
Genome position (GRCh38, 1-based): chr3:195,779,598, G>A on the plus strand (C>T on the coding strand, the complement: MUC4 is on the minus strand). VCF-style: chr3-195779598-G-A. GRCh37 (hg19) VCF-style: chr3-195506469-G-A.
Other names: c.17280C>T, p.Ser5760= (NM_001322468.1); c.83-5293C>T (NM_138297.5); c.83-1143C>T (NM_004532.6).
Identifiers: ClinVar variation 2654398 (VCV002654398.24), dbSNP rs199615212, ClinGen allele CA2769120.